The following is an entry in ClinVar:

NM_004656.4(BAP1):c.536G>C (p.Arg179Pro)

Gene: BAP1 (BRCA1 associated deubiquitinase 1; minus strand). Cytogenetic location: 3p21.1.
Variant type: single nucleotide variant.
Coding change: c.536G>C on transcript NM_004656.4 (MANE Select); coding-DNA position 536, G replaced by C.
Protein change: p.Arg179Pro; replaces arginine 179 with proline.
Molecular consequence: missense variant.
Genome position (GRCh38, 1-based): chr3:52,407,218, C>G on the plus strand (G>C on the coding strand, the complement: BAP1 is on the minus strand). VCF-style: chr3-52407218-C-G. GRCh37 (hg19) VCF-style: chr3-52441234-C-G.
Other names: c.536G>C, p.Arg179Pro (NM_001410772.1); short protein forms R179P.
Identifiers: ClinVar variation 4715189 (VCV004715189.1).
Genomic context (GRCh38, chr3:52,407,218, plus strand): 5'-AGCTCATGGTGCCTACCATGGTCAATGGGGTAGACCTTCAGCCCATCCAGCTCAAAGAGC[C>G]GGCCTGTGATAGGCACATAGCTGACAAAGTGGAACGCCTCCATGGTCCGCACTGCACTAA-3'
Protein context (NP_004647.1, residues 169-189): HFVSYVPITG[Arg179Pro]LFELDGLKVY

ClinVar aggregate classification (germline): Uncertain significance (1 of 4 stars; one submission).

Conditions:
BAP1-related tumor predisposition syndrome (TPDS1). Also called: Tumor susceptibility linked to germline BAP1 mutations; BAP1 tumor predisposition syndrome; COMMON Syndrome; TUMOR PREDISPOSITION SYNDROME 1. Identifiers: Orphanet 289539, MedGen C3280492, MONDO:0013692, OMIM 614327.

Submission:

Labcorp Genetics (formerly Invitae), Labcorp
Classification: Uncertain significance for BAP1-related tumor predisposition syndrome. Last evaluated: 2025-06-30. Review status: criteria provided, single submitter. Criteria: Invitae Variant Classification Sherloc (09022015). Collection method: clinical testing. Allele origin: germline.
Comment: This sequence change replaces arginine, which is basic and polar, with proline, which is neutral and non-polar, at codon 179 of the BAP1 protein (p.Arg179Pro). This variant is not present in population databases (gnomAD no frequency). This variant has not been reported in the literature in individuals affected with BAP1-related conditions. Invitae Evidence Modeling of protein sequence and biophysical properties (such as structural, functional, and spatial information, amino acid conservation, physicochemical variation, residue mobility, and thermodynamic stability) has been performed for this missense variant. However, the output from this modeling did not meet the statistical confidence thresholds required to predict the impact of this variant on BAP1 protein function. Experimental studies have shown that this missense change affects BAP1 function (PMID: 38969833). This variant disrupts the p.Arg179 amino acid residue in BAP1. Other variant(s) that disrupt this residue have been determined to be pathogenic (PMID: 35483881, 35992853, 38969833; external communication, internal data). This suggests that this residue is clinically significant, and that variants that disrupt this residue are likely to be disease-causing. In summary, the available evidence is currently insufficient to determine the role of this variant in disease. Therefore, it has been classified as a Variant of Uncertain Significance.

Literature cited by the submitters: PubMed 38969833; PubMed 35483881; PubMed 35992853.